The following is an entry in ClinVar:

NM_033305.3(VPS13A):c.261_264del (p.Leu88_Leu89insTer)

Gene: VPS13A (vacuolar protein sorting 13 homolog A; plus strand). Cytogenetic location: 9q21.2.
Variant type: Microsatellite.
Coding change: c.261_264del on transcript NM_033305.3 (MANE Select); coding-DNA positions 261 to 264, 4 bases deleted (TTTA; older notation c.261_264delTTTA).
Protein change: p.Leu88_Leu89insTer.
Molecular consequence: frameshift variant.
Genome position (GRCh38, 1-based): chr9:77,205,386-77,205,389, TTTA deleted; deleting any 4 consecutive bases within chr9:77,205,381-77,205,389 gives the same sequence; the c. name uses the placement nearest the transcript's 3' end. VCF-style (leftmost placement, unchanged base first): chr9-77205380-AATTT-A. GRCh37 (hg19) VCF-style: chr9-79820296-AATTT-A.
Other names: c.261_264del, p.Leu88_Leu89insTer (NM_001018037.2, NM_001018038.3, NM_015186.4); c.261_264delTTTA (NM_033305.2).
Identifiers: ClinVar variation 664894 (VCV000664894.5), dbSNP rs1589994032, ClinGen allele CA915947022.

ClinVar aggregate classification (germline): Pathogenic. Review status: criteria provided, multiple submitters, no conflicts (2 of 4 stars). 2 submissions from 2 submitters: Pathogenic (2). Last evaluated 2023-08-07.

Submissions (2):

Labcorp Genetics (formerly Invitae), Labcorp
Classification: Pathogenic. Last evaluated: 2023-08-07. Review status: criteria provided, single submitter. Criteria: Invitae Variant Classification Sherloc (09022015). Collection method: clinical testing. Allele origin: germline.
Comment: This variant has not been reported in the literature in individuals affected with VPS13A-related conditions. For these reasons, this variant has been classified as Pathogenic. ClinVar contains an entry for this variant (Variation ID: 664894). This variant is not present in population databases (gnomAD no frequency). This sequence change creates a premature translational stop signal (p.Leu89*) in the VPS13A gene. It is expected to result in an absent or disrupted protein product. Loss-of-function variants in VPS13A are known to be pathogenic (PMID: 12404112, 21598378).

Athena Diagnostics
Classification: Pathogenic. Last evaluated: 2021-05-19. Review status: criteria provided, single submitter. Criteria: Athena Diagnostics criteria. Collection method: clinical testing. Allele origin: unknown.
Comment: This variant is expected to result in the loss of a functional protein. This variant has not been reported in large, multi-ethnic general populations. This variant has been identified in at least one individual with clinical features associated with this gene.

Literature cited by the submitters: PubMed 12404112 (cited by Labcorp Genetics (formerly Invitae), Labcorp); PubMed 21598378 (cited by Labcorp Genetics (formerly Invitae), Labcorp).